The following is an entry in ClinVar:

NM_022124.6(CDH23):c.4147G>A (p.Asp1383Asn)

Genes: C10orf105 (chromosome 10 open reading frame 105; minus strand), CDH23 (cadherin related 23; plus strand). Cytogenetic location: 10q22.1.
Variant type: single nucleotide variant.
Coding change: c.4147G>A on transcript NM_022124.6 (MANE Select); coding-DNA position 4147, G replaced by A.
Protein change: p.Asp1383Asn; replaces aspartic acid 1383 with asparagine.
Molecular consequence: missense variant. On other transcripts: intron variant (1).
Genome position (GRCh38, 1-based): chr10:71,734,282, G>A. VCF-style: chr10-71734282-G-A. GRCh37 (hg19) VCF-style: chr10-73494039-G-A.
Other names: c.-6+3446C>T (NM_001168390.2); short protein forms D1383N.
Identifiers: ClinVar variation 300430 (VCV000300430.10), dbSNP rs752442832, ClinGen allele CA5544930.
Genomic context (GRCh38, chr10:71,734,282, plus strand): 5'-CTGGCCCCTTCCCTGCAGGGTGTGATCACAGTCCAGGGCCTGGTGGACCGTGAGAAGGGC[G>A]ACTTCTATACCTTGACAGTGGTGGCAGATGACGGCGGCCCCAAGGTGGACTCCACCGTGG-3'
Protein context (NP_071407.4, residues 1373-1393): VQGLVDREKG[Asp1383Asn]FYTLTVVADD

ClinVar aggregate classification (germline): Uncertain significance. Review status: criteria provided, multiple submitters, no conflicts (2 of 4 stars). 2 submissions from 2 submitters: Uncertain significance (2). Last evaluated 2022-07-29.

Conditions:
Autosomal recessive nonsyndromic hearing loss 12. Also called: DEAFNESS, AUTOSOMAL RECESSIVE 12. Identifiers: Orphanet 90636, MedGen C1832394, MONDO:0011067, OMIM 601386.

Allele frequency attached by ClinVar (database versions not stated): gnomAD exomes 0.00001 and below 0.00001; TOPMed 0.00001; ExAC 0.00001.
gnomAD v4.1: 13 of 1,612,544 alleles (0.00081%); highest among the groups gnomAD compares: Admixed American, 0.005%; no homozygotes.

Submissions (2):

Labcorp Genetics (formerly Invitae), Labcorp
Classification: Uncertain significance. Last evaluated: 2022-07-29. Review status: criteria provided, single submitter. Criteria: Invitae Variant Classification Sherloc (09022015). Collection method: clinical testing. Allele origin: germline.
Comment: This sequence change replaces aspartic acid, which is acidic and polar, with asparagine, which is neutral and polar, at codon 1383 of the CDH23 protein (p.Asp1383Asn). The frequency data for this variant in the population databases is considered unreliable, as metrics indicate poor data quality at this position in the gnomAD database. This variant has not been reported in the literature in individuals affected with CDH23-related conditions. ClinVar contains an entry for this variant (Variation ID: 300430). Algorithms developed to predict the effect of missense changes on protein structure and function are either unavailable or do not agree on the potential impact of this missense change (SIFT: "Tolerated"; PolyPhen-2: "Not Available"; Align-GVGD: "Class C0"). In summary, the available evidence is currently insufficient to determine the role of this variant in disease. Therefore, it has been classified as a Variant of Uncertain Significance.

Victorian Clinical Genetics Services, Murdoch Childrens Research Institute
Classification: Uncertain significance for Autosomal recessive nonsyndromic hearing loss 12. Last evaluated: 2020-05-21. Review status: criteria provided, single submitter. Criteria: ACMG Guidelines, 2015. Collection method: clinical testing. Allele origin: germline. Inheritance: Autosomal recessive inheritance. Affected: yes.
Comment: A heterozygous missense variant was identified, NM_022124.5(CDH23):c.4147G>A in exon 33 of 70 of the CDH23 gene (NB: this variant is non-coding in alternative transcripts). This substitution is predicted to create a minor amino acid change from an aspartic acid to an asparagine at position 1383 of the protein; NP_071407.4(CDH23):p.(Asp1383Asn). The asparagine at this position has low conservation (100 vertebrates, UCSC), but is located within a cadherin tandem repeat region (NCBI, PDB). In silico software predictions of the pathogenicity of this variant are conflicting (Polyphen, SIFT, CADD, Mutation Taster). The variant is present in the gnomAD population database at a frequency of 0.0004% (1 heterozygote, 0 homozygotes). This variant has been previously reported as a VUS (ClinVar, Deafnessvariationdatabase). Based on information available at the time of curation, this variant has been classified as a VUS with LOW CLINICAL RELEVANCE.